The following is an entry in ClinVar:

NM_000540.3(RYR1):c.12013-15A>G

Gene: RYR1 (ryanodine receptor 1; plus strand). Cytogenetic location: 19q13.2.
Variant type: single nucleotide variant.
Coding change: c.12013-15A>G on transcript NM_000540.3 (MANE Select); 15 bases into the intron before coding-DNA position 12013, A replaced by G.
Molecular consequence: intron variant.
Genome position (GRCh38, 1-based): chr19:38,546,430, A>G. VCF-style: chr19-38546430-A-G. GRCh37 (hg19) VCF-style: chr19-39037070-A-G.
Other names: c.11998-15A>G (NM_001042723.2).
Identifiers: ClinVar variation 3019315 (VCV003019315.4), dbSNP rs2514591482, ClinGen allele CA2576804883.

ClinVar aggregate classification (germline): Likely benign. Review status: criteria provided, multiple submitters, no conflicts (2 of 4 stars). 2 submissions from 2 submitters: Likely benign (2). Last evaluated 2025-04-18.

Conditions:
Malignant hyperthermia, susceptibility to, 1 (MHS1). Also called: Anesthesia related hyperthermia; Malignant hyperpyrexia; Fulminating hyperpyrexia; Pharmacogenic myopathy; RYR1-Related Malignant Hyperthermia Susceptibility; Malignant hyperthermia suceptibility 1. Identifiers: Orphanet 423, MedGen C2930980, MONDO:0007783, OMIM 145600.
RYR1-related disorder. Also called: RYR1-related disorders; RYR1-related condition. Identifiers: MedGen CN239331.

Submissions (2):

Labcorp Genetics (formerly Invitae), Labcorp
Classification: Likely benign for RYR1-related disorder. Last evaluated: 2025-04-18. Review status: criteria provided, single submitter. Criteria: Invitae Variant Classification Sherloc (09022015). Collection method: clinical testing. Allele origin: germline.

All of Us Research Program, National Institutes of Health
Classification: Likely benign for Malignant hyperthermia, susceptibility to, 1. Last evaluated: 2023-11-02. Review status: criteria provided, single submitter. Criteria: ACMG Guidelines, 2015. Collection method: clinical testing. Allele origin: germline. Inheritance: Autosomal dominant inheritance. Observed: 2 variant alleles, 2 heterozygotes.
Comment: This study involves interpretation of variants in research participants for the purpose of population health screening. Participant phenotype was not available at the time of variant classification. Additional details can be found in publication PMID: 35346344, PMCID: PMC8962531